The following is an entry in ClinVar:

NM_144573.4(NEXN):c.467C>T (p.Thr156Met)

Gene: NEXN (nexilin F-actin binding protein; plus strand). Cytogenetic location: 1p31.1.
Variant type: single nucleotide variant.
Coding change: c.467C>T on transcript NM_144573.4 (MANE Select); coding-DNA position 467, C replaced by T.
Protein change: p.Thr156Met; replaces threonine 156 with methionine.
Molecular consequence: missense variant.
Genome position (GRCh38, 1-based): chr1:77,925,207, C>T. VCF-style: chr1-77925207-C-T. GRCh37 (hg19) VCF-style: chr1-78390892-C-T.
Other names: c.275C>T, p.Thr92Met (NM_001172309.2); short protein forms T92M, T156M.
Identifiers: ClinVar variation 2051767 (VCV002051767.5), dbSNP rs530346055, ClinGen allele CA918655.
Genomic context (GRCh38, chr1:77,925,207, plus strand): 5'-AATCTGATGTAATGTAATGATATGAAATTCTCATTCAATAGATTGAGGACATAAACAATA[C>T]GGGAACTGAATCAGCATCAGAGGTAAACAGACATTTCCTTTAATGAAACATTCACCTAAA-3'
Protein context (NP_653174.3, residues 146-166): RAEQIEDINN[Thr156Met]GTESASEEGD

ClinVar aggregate classification (germline): Conflicting classifications of pathogenicity. Review status: criteria provided, conflicting classifications (1 of 4 stars). 3 submissions from 3 submitters: Uncertain significance (2); Likely benign (1). Last evaluated 2025-09-18.

Conditions:
Cardiovascular phenotype. Identifiers: MedGen CN230736.
Hypertrophic cardiomyopathy 20. Identifiers: MedGen C3151267, MONDO:0013477, OMIM 613876.
Dilated cardiomyopathy 1CC (CMD1CC). Identifiers: Orphanet 154, MedGen C2751084, MONDO:0013147, OMIM 613122.

Allele frequency attached by ClinVar (database versions not stated): gnomAD 0.00001; gnomAD exomes 0.00001; TOPMed 0.00001; ExAC 0.00003; 1000 Genomes Project 30x 0.00016; 1000 Genomes Project 0.00020.
gnomAD v4.1: 15 of 1,596,488 alleles (0.00094%); highest among the groups gnomAD compares: African/African-American, 0.0054%; no homozygotes.

Submissions (3):

Ambry Genetics
Classification: Uncertain significance for Cardiovascular phenotype. Last evaluated: 2025-09-18. Review status: criteria provided, single submitter. Criteria: Ambry Variant Classification Scheme 2023. Collection method: clinical testing. Allele origin: germline.
Comment: The p.T156M variant (also known as c.467C>T), located in coding exon 5 of the NEXN gene, results from a C to T substitution at nucleotide position 467. The threonine at codon 156 is replaced by methionine, an amino acid with similar properties. This amino acid position is conserved. In addition, this alteration is predicted to be tolerated by in silico analysis. Since supporting evidence is limited at this time, the clinical significance of this alteration remains unclear.

Blueprint Genetics
Classification: Likely benign. Last evaluated: 2022-08-31. Review status: criteria provided, single submitter. Criteria: ACMG Guidelines, 2015. Collection method: clinical testing. Allele origin: germline.

Labcorp Genetics (formerly Invitae), Labcorp
Classification: Uncertain significance for Dilated cardiomyopathy 1CC; Hypertrophic cardiomyopathy 20. Last evaluated: 2022-07-01. Review status: criteria provided, single submitter. Criteria: Invitae Variant Classification Sherloc (09022015). Collection method: clinical testing. Allele origin: germline.
Comment: This sequence change replaces threonine, which is neutral and polar, with methionine, which is neutral and non-polar, at codon 156 of the NEXN protein (p.Thr156Met). This variant is present in population databases (rs530346055, gnomAD 0.01%). This variant has not been reported in the literature in individuals affected with NEXN-related conditions. Algorithms developed to predict the effect of missense changes on protein structure and function are either unavailable or do not agree on the potential impact of this missense change (SIFT: "Deleterious"; PolyPhen-2: "Possibly Damaging"; Align-GVGD: "Class C0"). Algorithms developed to predict the effect of sequence changes on RNA splicing suggest that this variant may disrupt the consensus splice site. In summary, the available evidence is currently insufficient to determine the role of this variant in disease. Therefore, it has been classified as a Variant of Uncertain Significance.